The following is an entry in ClinVar:

NM_152268.4(PARS2):c.427A>T (p.Arg143Ter)

Gene: PARS2 (prolyl-tRNA synthetase 2, mitochondrial; minus strand). Cytogenetic location: 1p32.3.
Variant type: single nucleotide variant.
Coding change: c.427A>T on transcript NM_152268.4 (MANE Select); coding-DNA position 427, A replaced by T.
Protein change: p.Arg143Ter; replaces arginine 143 with a stop codon.
Molecular consequence: nonsense.
Genome position (GRCh38, 1-based): chr1:54,758,735, T>A on the plus strand (A>T on the coding strand, the complement: PARS2 is on the minus strand). VCF-style: chr1-54758735-T-A. GRCh37 (hg19) VCF-style: chr1-55224408-T-A.
Other names: short protein forms R143*.
Identifiers: ClinVar variation 2019733 (VCV002019733.4), dbSNP rs2524476071, ClinGen allele CA340464790.
Genomic context (GRCh38, chr1:54,758,735, plus strand): 5'-TAATGGCTTCCTCGTGAGTTGGTCCTAAGCAGTATTCCTTGCCATGCCTGTCTCTAAGTC[T>A]TAGCAGCTCTTTGCCCATCAAGTCCCACCGGTTGGTGGCTTGCCAGAGCTCTGCCGGGCT-3'

ClinVar aggregate classification (germline): Uncertain significance (1 of 4 stars; one submission).

Submission:

Labcorp Genetics (formerly Invitae), Labcorp
Classification: Uncertain significance. Last evaluated: 2022-08-02. Review status: criteria provided, single submitter. Criteria: Invitae Variant Classification Sherloc (09022015). Collection method: clinical testing. Allele origin: germline.
Comment: Experimental studies and prediction algorithms are not available or were not evaluated, and the functional significance of this variant is currently unknown. In summary, the available evidence is currently insufficient to determine the role of this variant in disease. Therefore, it has been classified as a Variant of Uncertain Significance. This variant has not been reported in the literature in individuals affected with PARS2-related conditions. This sequence change creates a premature translational stop signal (p.Arg143*) in the PARS2 gene. While this is not anticipated to result in nonsense mediated decay, it is expected to disrupt the last 333 amino acid(s) of the PARS2 protein. This variant is not present in population databases (gnomAD no frequency).